The following is an entry in ClinVar:

NM_015192.4(PLCB1):c.2270T>C (p.Ile757Thr)

Gene: PLCB1 (phospholipase C beta 1; plus strand). Cytogenetic location: 20p12.3.
Variant type: single nucleotide variant.
Coding change: c.2270T>C on transcript NM_015192.4 (MANE Select); coding-DNA position 2270, T replaced by C.
Protein change: p.Ile757Thr; replaces isoleucine 757 with threonine.
Molecular consequence: missense variant.
Genome position (GRCh38, 1-based): chr20:8,739,322, T>C. VCF-style: chr20-8739322-T-C. GRCh37 (hg19) VCF-style: chr20-8719969-T-C.
Other names: c.2270T>C, p.Ile757Thr (NM_182734.3); short protein forms I757T.
Identifiers: ClinVar variation 837155 (VCV000837155.9), dbSNP rs1488351224, ClinGen allele CA408207746.
Genomic context (GRCh38, chr20:8,739,322, plus strand): 5'-TGGTTCTTCCTACTCTGGCCTGTTTGAGAATAGCAGTTTATGAAGAAGGAGGTAAATTCA[T>C]TGGCCACCGTATCTTGCCAGTGCAAGCCATTCGGCCAGGTATGGGTAGTGTGCTGAGAAA-3'
Protein context (NP_056007.1, residues 747-767): IAVYEEGGKF[Ile757Thr]GHRILPVQAI

ClinVar aggregate classification (germline): Uncertain significance (1 of 4 stars; one submission).

Conditions:
Developmental and epileptic encephalopathy, 12 (DEE12). Identifiers: MedGen C3150988, MONDO:0013389, OMIM 613722.

Allele frequency attached by ClinVar (database versions not stated): gnomAD exomes below 0.00001.
gnomAD v4.1: 2 of 1,614,080 alleles (0.00012%); highest among the groups gnomAD compares: Non-Finnish European, 0.000085%; no homozygotes.

Submission:

Labcorp Genetics (formerly Invitae), Labcorp
Classification: Uncertain significance for Developmental and epileptic encephalopathy, 12. Last evaluated: 2024-10-30. Review status: criteria provided, single submitter. Criteria: Invitae Variant Classification Sherloc (09022015). Collection method: clinical testing. Allele origin: germline.
Comment: This sequence change replaces isoleucine, which is neutral and non-polar, with threonine, which is neutral and polar, at codon 757 of the PLCB1 protein (p.Ile757Thr). This variant is present in population databases (no rsID available, gnomAD 0.0009%). This variant has not been reported in the literature in individuals affected with PLCB1-related conditions. ClinVar contains an entry for this variant (Variation ID: 837155). Invitae Evidence Modeling of protein sequence and biophysical properties (such as structural, functional, and spatial information, amino acid conservation, physicochemical variation, residue mobility, and thermodynamic stability) indicates that this missense variant is expected to disrupt PLCB1 protein function with a positive predictive value of 80%. In summary, the available evidence is currently insufficient to determine the role of this variant in disease. Therefore, it has been classified as a Variant of Uncertain Significance.